The following is an entry in ClinVar:

ClinVar aggregate classification (germline): Benign/Likely benign. Review status: criteria provided, multiple submitters, no conflicts (2 of 4 stars). 8 submissions from 8 submitters: Benign (5); Likely benign (3). Last evaluated 2026-09-01.

Conditions:
Cutis laxa with severe pulmonary, gastrointestinal and urinary anomalies. Also called: LTBP4-Related Cutis Laxa; URBAN-RIFKIN-DAVIS SYNDROME; Cutis laxa, autosomal recessive, type IC. Identifiers: Orphanet 221145, MedGen C2750804, MONDO:0013170, OMIM 613177. Disease mechanism: loss of function.

Allele frequency attached by ClinVar (database versions not stated): 1000 Genomes Project 0.00240; 1000 Genomes Project 30x 0.00265; TOPMed 0.00560; ESP Exome Variant Server 0.00618; gnomAD 0.00743 and 0.00763; gnomAD exomes 0.00769 and 0.01051; ExAC 0.00853.
gnomAD v4.1: 16,128 of 1,603,676 alleles (1%); highest among the groups gnomAD compares: Non-Finnish European, 1.2%; 130 homozygotes.

Submissions 1 to 28 of 49:

CeGaT Center for Human Genetics Tuebingen
Classification: Benign. Last evaluated: 2026-09-01. Review status: criteria provided, single submitter. Criteria: CeGaT Center For Human Genetics Tuebingen Variant Classification Criteria Version 2. Collection method: clinical testing. Allele origin: germline. Affected: yes. Observed: 27 variant alleles.
Comment: LTBP4: BS1, BS2

Labcorp Genetics (formerly Invitae), Labcorp
Classification: Benign. Last evaluated: 2026-02-04. Review status: criteria provided, single submitter. Criteria: Invitae Variant Classification Sherloc (09022015). Collection method: clinical testing. Allele origin: germline.

Blueprint Genetics
Classification: Likely benign. Last evaluated: 2024-11-26. Review status: criteria provided, single submitter. Criteria: ACMG Guidelines, 2015. Collection method: clinical testing. Allele origin: germline.

Women's Health and Genetics/Laboratory Corporation of America, LabCorp
Classification: Likely benign. Last evaluated: 2022-02-18. Review status: criteria provided, single submitter. Criteria: LabCorp Variant Classification Summary - May 2015. Collection method: clinical testing. Allele origin: germline.

GeneDx
Classification: Benign. Last evaluated: 2018-07-25. Review status: criteria provided, single submitter. Criteria: GeneDx Variant Classification Process June 2021. Collection method: clinical testing. Allele origin: germline. Affected: yes.
Comment: This variant is associated with the following publications: (PMID: 30804560)

Illumina Laboratory Services, Illumina
Classification: Benign for Cutis laxa with severe pulmonary, gastrointestinal and urinary anomalies. Last evaluated: 2018-01-13. Review status: criteria provided, single submitter. Criteria: ICSL Variant Classification Criteria 13 December 2019. Collection method: clinical testing. Allele origin: germline.
Comment: This variant was observed in the ICSL laboratory as part of a predisposition screen in an ostensibly healthy population. It had not been previously curated by ICSL or reported in the Human Gene Mutation Database (HGMD: prior to June 1st, 2018), and was therefore a candidate for classification through an automated scoring system. Utilizing variant allele frequency, disease prevalence and penetrance estimates, and inheritance mode, an automated score was calculated to assess if this variant is too frequent to cause the disease. Based on the score and internal cut-off values, a variant classified as benign is not then subjected to further curation. The score for this variant resulted in a classification of benign for this disease.

Laboratory for Molecular Medicine, Mass General Brigham Personalized Medicine
Classification: Benign. Last evaluated: 2016-06-21. Review status: criteria provided, single submitter. Criteria: LMM Criteria. Collection method: clinical testing. Allele origin: germline. Observed: 2 variant alleles.
Comment: p.Asp752Asn in exon 16 of LTBP4: This variant is not expected to have clinical s ignificance because it has been identified in 2.3% (150/6532) of Finnish chromos omes by the Exome Aggregation Consortium (ExAC; dbSNP rs34093919).

Breakthrough Genomics
Classification: Likely benign. Review status: criteria provided, single submitter. Criteria: ACMG Guidelines, 2015. Collection method: not provided. Allele origin: germline. Inheritance: Autosomal recessive inheritance. Affected: yes.

Dr. Peter K. Rogan Lab, Western University
No classification provided (evidence only). Condition: Melanoma. Review status: no classification provided. Collection method: in vitro. Allele origin: not applicable. Functional consequence: skipped exon. Not counted in ClinVar's aggregate classification.

Dr. Peter K. Rogan Lab, Western University
No classification provided (evidence only). Condition: Melanoma. Review status: no classification provided. Collection method: in vitro. Allele origin: not applicable. Functional consequence: skipped exon. Not counted in ClinVar's aggregate classification.

Dr. Peter K. Rogan Lab, Western University
No classification provided (evidence only). Condition: Melanoma. Review status: no classification provided. Collection method: in vitro. Allele origin: not applicable. Functional consequence: skipped exon. Not counted in ClinVar's aggregate classification.

Dr. Peter K. Rogan Lab, Western University
No classification provided (evidence only). Condition: Melanoma. Review status: no classification provided. Collection method: in vitro. Allele origin: not applicable. Functional consequence: skipped exon. Not counted in ClinVar's aggregate classification.

Dr. Peter K. Rogan Lab, Western University
No classification provided (evidence only). Condition: Acute myeloid leukemia. Review status: no classification provided. Collection method: in vitro. Allele origin: not applicable. Functional consequence: skipped exon. Not counted in ClinVar's aggregate classification.

Dr. Peter K. Rogan Lab, Western University
No classification provided (evidence only). Condition: Colon adenocarcinoma. Review status: no classification provided. Collection method: in vitro. Allele origin: not applicable. Functional consequence: skipped exon. Not counted in ClinVar's aggregate classification.

Dr. Peter K. Rogan Lab, Western University
No classification provided (evidence only). Condition: Thyroid cancer, nonmedullary, 1. Review status: no classification provided. Collection method: in vitro. Allele origin: not applicable. Functional consequence: skipped exon. Not counted in ClinVar's aggregate classification.

Dr. Peter K. Rogan Lab, Western University
No classification provided (evidence only). Condition: Thyroid cancer, nonmedullary, 1. Review status: no classification provided. Collection method: in vitro. Allele origin: not applicable. Functional consequence: skipped exon, retained intron. Not counted in ClinVar's aggregate classification.

Dr. Peter K. Rogan Lab, Western University
No classification provided (evidence only). Condition: Thyroid cancer, nonmedullary, 1. Review status: no classification provided. Collection method: in vitro. Allele origin: not applicable. Functional consequence: skipped exon. Not counted in ClinVar's aggregate classification.

Dr. Peter K. Rogan Lab, Western University
No classification provided (evidence only). Condition: Thyroid cancer, nonmedullary, 1. Review status: no classification provided. Collection method: in vitro. Allele origin: not applicable. Functional consequence: skipped exon. Not counted in ClinVar's aggregate classification.

Dr. Peter K. Rogan Lab, Western University
No classification provided (evidence only). Condition: Thyroid cancer, nonmedullary, 1. Review status: no classification provided. Collection method: in vitro. Allele origin: not applicable. Functional consequence: skipped exon. Not counted in ClinVar's aggregate classification.

Dr. Peter K. Rogan Lab, Western University
No classification provided (evidence only). Condition: Uterine corpus endometrial carcinoma. Review status: no classification provided. Collection method: in vitro. Allele origin: not applicable. Functional consequence: skipped exon, retained intron. Not counted in ClinVar's aggregate classification.

Dr. Peter K. Rogan Lab, Western University
No classification provided (evidence only). Condition: Cervical cancer. Review status: no classification provided. Collection method: in vitro. Allele origin: not applicable. Functional consequence: skipped exon. Not counted in ClinVar's aggregate classification.

Dr. Peter K. Rogan Lab, Western University
No classification provided (evidence only). Condition: Cervical cancer. Review status: no classification provided. Collection method: in vitro. Allele origin: not applicable. Functional consequence: skipped exon. Not counted in ClinVar's aggregate classification.

Dr. Peter K. Rogan Lab, Western University
No classification provided (evidence only). Condition: Sarcoma. Review status: no classification provided. Collection method: in vitro. Allele origin: not applicable. Functional consequence: skipped exon. Not counted in ClinVar's aggregate classification.

Dr. Peter K. Rogan Lab, Western University
No classification provided (evidence only). Condition: Thymoma. Review status: no classification provided. Collection method: in vitro. Allele origin: not applicable. Functional consequence: skipped exon. Not counted in ClinVar's aggregate classification.

Dr. Peter K. Rogan Lab, Western University
No classification provided (evidence only). Condition: Thymoma. Review status: no classification provided. Collection method: in vitro. Allele origin: not applicable. Functional consequence: skipped exon. Not counted in ClinVar's aggregate classification.

Dr. Peter K. Rogan Lab, Western University
No classification provided (evidence only). Condition: Cholangiocarcinoma. Review status: no classification provided. Collection method: in vitro. Allele origin: not applicable. Functional consequence: skipped exon. Not counted in ClinVar's aggregate classification.

Dr. Peter K. Rogan Lab, Western University
No classification provided (evidence only). Condition: Ovarian serous cystadenocarcinoma. Review status: no classification provided. Collection method: in vitro. Allele origin: not applicable. Functional consequence: skipped exon. Not counted in ClinVar's aggregate classification.

Dr. Peter K. Rogan Lab, Western University
No classification provided (evidence only). Condition: Ovarian serous cystadenocarcinoma. Review status: no classification provided. Collection method: in vitro. Allele origin: not applicable. Functional consequence: skipped exon. Not counted in ClinVar's aggregate classification.

NM_001042545.2(LTBP4):c.2053G>A (p.Asp685Asn)

Gene: LTBP4 (latent transforming growth factor beta binding protein 4; plus strand). Cytogenetic location: 19q13.2.
Variant type: single nucleotide variant.
Coding change: c.2053G>A on transcript NM_001042545.2 (MANE Select); coding-DNA position 2053, G replaced by A.
Protein change: p.Asp685Asn; replaces aspartic acid 685 with asparagine.
Molecular consequence: missense variant.
Genome position (GRCh38, 1-based): chr19:40,611,394, G>A. VCF-style: chr19-40611394-G-A. GRCh37 (hg19) VCF-style: chr19-41117300-G-A.
Other names: c.2254G>A, p.Asp752Asn (NM_001042544.1); c.2143G>A, p.Asp715Asn (NM_003573.2); short protein forms D685N, D715N, D752N.
Identifiers: ClinVar variation 386527 (VCV000386527.48), dbSNP rs34093919, ClinGen allele CA9448510.
Genomic context (GRCh38, chr19:40,611,394, plus strand): 5'-TCCTTTCACTGTGCCTGCCCTGCTGGCTTCCGCTCCCGAGGGCCCGGGGCCCCCTGCCAA[G>A]GTGAGGGTGCTGAGCCCAGCCCTACTCCATCACTGTTTGCTGTGGAGACTGGAGAGAGAT-3'
Protein context (NP_001036010.1, residues 675-695): RSRGPGAPCQ[Asp685Asn]VDECARSPPP